The following is an entry in ClinVar:

NM_000349.3(STAR):c.289AAG[1] (p.Lys98del)

Gene: STAR (steroidogenic acute regulatory protein; minus strand). Cytogenetic location: 8p11.23.
Variant type: Microsatellite.
Coding change: c.289AAG[1] on transcript NM_000349.3 (MANE Select); one copy of the 3-base unit AAG starting at c.289; the reference has two copies in a row; one copy, 3 bases deleted; also written c.292_294del.
Protein change: p.Lys98del; deletes lysine 98.
Molecular consequence: inframe deletion.
Genome position (GRCh38, 1-based): chr8:38,148,212-38,148,214, CTT deleted on the plus strand (AAG on the coding strand, the reverse complement: STAR is on the minus strand); deleting any 3 consecutive bases within chr8:38,148,212-38,148,218 gives the same sequence; the position shown is the placement nearest the transcript's 3' end. VCF-style (leftmost placement, unchanged base first): chr8-38148211-CCTT-C. GRCh37 (hg19) VCF-style: chr8-38005729-CCTT-C.
Other names: c.292_294del (NM_000349.2); short protein forms K98del.
Identifiers: ClinVar variation 550533 (VCV000550533.13), dbSNP rs146872295, ClinGen allele CA4715295.
Genomic context (GRCh38, chr8:38,148,211, plus strand): 5'-GGATGGCAGTGGAGCATGGAGGAACCACAGGCTTCTCCCCGACACTTACCTGCTGACTCT[CCTT>C]CTTCCAGCCCTCTTGGTTGCTAAGGATGCCCAAGGCCTTCTGCATGGCCTCCTCCCCCTG-3'

ClinVar aggregate classification (germline): Conflicting classifications of pathogenicity. Review status: criteria provided, conflicting classifications (1 of 4 stars). 4 submissions from 4 submitters: Uncertain significance (1); Likely benign (1). 2 of the submissions do not count toward it. Last evaluated 2026-01-03.

Conditions:
STAR-related disorder. Also called: STAR-related condition.
Congenital lipoid adrenal hyperplasia due to STAR deficency. Also called: Lipoid adrenal hyperplasia; Cholesterol monooxygenase (side-chain cleaving) deficiency; ADRENAL HYPERPLASIA I; Congenital Lipoid Adrenal Hyperplasia. Identifiers: Orphanet 418, Orphanet 90790, MedGen C0342474, MONDO:0008725, OMIM 201710.

Submissions (4):

Labcorp Genetics (formerly Invitae), Labcorp
Classification: Likely benign. Last evaluated: 2026-01-03. Review status: criteria provided, single submitter. Criteria: Invitae Variant Classification Sherloc (09022015). Collection method: clinical testing. Allele origin: germline.

GeneDx
Classification: Uncertain significance. Last evaluated: 2023-05-01. Review status: criteria provided, single submitter. Criteria: GeneDx Variant Classification Process June 2021. Collection method: clinical testing. Allele origin: germline. Affected: yes.
Comment: In-frame deletion of one amino acid in a non-repeat region; In silico analysis supports a deleterious effect on protein structure/function; Has not been previously published as pathogenic or benign to our knowledge

PreventionGenetics, part of Exact Sciences
Classification: Likely benign for STAR-related condition. Last evaluated: 2023-11-14. Review status: no assertion criteria provided. Collection method: clinical testing. Allele origin: germline. Not counted in ClinVar's aggregate classification.
Comment: This variant is classified as likely benign based on ACMG/AMP sequence variant interpretation guidelines (Richards et al. 2015 PMID: 25741868, with internal and published modifications).

Counsyl
Classification: Uncertain significance for Congenital lipoid adrenal hyperplasia due to STAR deficency. Last evaluated: 2017-01-27. Review status: no assertion criteria provided. Collection method: clinical testing. Allele origin: unknown. Not counted in ClinVar's aggregate classification.